The following is an entry in ClinVar:

ClinVar aggregate classification (germline): Conflicting classifications of pathogenicity. Review status: criteria provided, conflicting classifications (1 of 4 stars). 2 submissions from 2 submitters: Likely pathogenic (1); Uncertain significance (1). Last evaluated 2025-02-04.

Conditions:
Von Hippel-Lindau syndrome (VHLS). Also called: von Hippel–Lindau syndrome; Von Hippel-Lindau; VHL syndrome. Identifiers: Orphanet 892, MedGen C0019562, MONDO:0008667, OMIM 193300. Disease mechanism: loss of function.
Chuvash polycythemia. Also called: POLYCYTHEMIA, VHL-DEPENDENT. Identifiers: Orphanet 238557, MedGen C1837915, MONDO:0009892, OMIM 263400.

Submissions (2):

Labcorp Genetics (formerly Invitae), Labcorp
Classification: Likely pathogenic for Von Hippel-Lindau syndrome; Chuvash polycythemia. Last evaluated: 2025-02-04. Review status: criteria provided, single submitter. Criteria: Invitae Variant Classification Sherloc (09022015). Collection method: clinical testing. Allele origin: germline.
Comment: This sequence change replaces glutamine, which is neutral and polar, with glutamic acid, which is acidic and polar, at codon 164 of the VHL protein (p.Gln164Glu). This variant is not present in population databases (gnomAD no frequency). This missense change has been observed in individual(s) with clinical features of autosomal dominant VHL-related conditions (internal data). ClinVar contains an entry for this variant (Variation ID: 625253). Invitae Evidence Modeling of protein sequence and biophysical properties (such as structural, functional, and spatial information, amino acid conservation, physicochemical variation, residue mobility, and thermodynamic stability) indicates that this missense variant is expected to disrupt VHL protein function with a positive predictive value of 95%. This variant disrupts the p.Gln164 amino acid residue in VHL. Other variant(s) that disrupt this residue have been determined to be pathogenic (PMID: 12807974, 17392848, 19215943, 22517557, 24102379, 29891534; internal data). This suggests that this residue is clinically significant, and that variants that disrupt this residue are likely to be disease-causing. In summary, the currently available evidence indicates that the variant is pathogenic, but additional data are needed to prove that conclusively. Therefore, this variant has been classified as Likely Pathogenic.

Genomic Diagnostic Laboratory, Division of Genomic Diagnostics, Children's Hospital of Philadelphia
Classification: Uncertain significance for von Hippel-Lindau syndrome. Last evaluated: 2018-08-01. Review status: criteria provided, single submitter. Criteria: DGD Variant Analysis Guidelines. Collection method: clinical testing. Allele origin: germline. Affected: yes. Observed: 1 variant allele.

Literature cited by the submitters: PubMed 12807974 (cited by Labcorp Genetics (formerly Invitae), Labcorp); PubMed 17392848 (cited by Labcorp Genetics (formerly Invitae), Labcorp); PubMed 19215943 (cited by Labcorp Genetics (formerly Invitae), Labcorp); PubMed 22517557 (cited by Labcorp Genetics (formerly Invitae), Labcorp); PubMed 24102379 (cited by Labcorp Genetics (formerly Invitae), Labcorp); PubMed 29891534 (cited by Labcorp Genetics (formerly Invitae), Labcorp).

NM_000551.4(VHL):c.490C>G (p.Gln164Glu)

Genes: VHL (von Hippel-Lindau tumor suppressor; plus strand), LOC107303340 (3p25 von Hippel-Lindau tumor suppressor, E3 ubiquitin protein ligase Alu-mediated recombination region; plus strand). Cytogenetic location: 3p25.3.
Variant type: single nucleotide variant.
Coding change: c.490C>G on transcript NM_000551.4 (MANE Select); coding-DNA position 490, C replaced by G.
Protein change: p.Gln164Glu; replaces glutamine 164 with glutamic acid.
Molecular consequence: missense variant. On other transcripts: 3 prime UTR variant (1).
Genome position (GRCh38, 1-based): chr3:10,149,813, C>G. VCF-style: chr3-10149813-C-G. GRCh37 (hg19) VCF-style: chr3-10191497-C-G.
Other names: c.*44C>G (NM_001354723.2); c.367C>G, p.Gln123Glu (NM_198156.3); short protein forms Q164E, Q123E.
Identifiers: ClinVar variation 625253 (VCV000625253.3), dbSNP rs5030819, ClinGen allele CA351756145.